The following is an entry in ClinVar:

NM_001042492.3(NF1):c.8161-1G>A

Gene: NF1 (neurofibromin 1; plus strand). Cytogenetic location: 17q11.2.
Variant type: single nucleotide variant.
Coding change: c.8161-1G>A on transcript NM_001042492.3 (MANE Select); the canonical splice acceptor site of the intron before coding-DNA position 8161, G replaced by A.
Molecular consequence: splice acceptor variant.
Genome position (GRCh38, 1-based): chr17:31,360,486, G>A. VCF-style: chr17-31360486-G-A. GRCh37 (hg19) VCF-style: chr17-29687504-G-A.
Other names: c.8098-1G>A (NM_000267.4).
Identifiers: ClinVar variation 849315 (VCV000849315.7), dbSNP rs2070372934, ClinGen allele CA399204330.

ClinVar aggregate classification (germline): Pathogenic (1 of 4 stars; one submission).

Conditions:
Neurofibromatosis, type 1 (NF1). Also called: Neurofibromatosis, type I; VON RECKLINGHAUSEN DISEASE; Peripheral type neurofibromatosis; NEUROFIBROMATOSIS, TYPE I, SOMATIC. Identifiers: Orphanet 636, MedGen C0027831, MONDO:0018975, OMIM 162200. Disease mechanism: loss of function.

Submission:

Labcorp Genetics (formerly Invitae), Labcorp
Classification: Pathogenic for Neurofibromatosis, type 1. Last evaluated: 2021-07-01. Review status: criteria provided, single submitter. Criteria: Invitae Variant Classification Sherloc (09022015). Collection method: clinical testing. Allele origin: germline.
Comment: Algorithms developed to predict the effect of sequence changes on RNA splicing suggest that this variant may disrupt the consensus splice site. ClinVar contains an entry for this variant (Variation ID: 849315). Disruption of this splice site has been observed in individual(s) with clinical features of neurofibromatosis type 1 (PMID: 23913538, 24789688; Invitae). This variant is not present in population databases (ExAC no frequency). For these reasons, this variant has been classified as Pathogenic. This sequence change affects an acceptor splice site in intron 55 of the NF1 gene. It is expected to disrupt RNA splicing. Variants that disrupt the donor or acceptor splice site typically lead to a loss of protein function (PMID: 16199547), and loss-of-function variants in NF1 are known to be pathogenic (PMID: 10712197, 23913538).

Literature cited by the submitters: PubMed 23913538; PubMed 24789688; PubMed 16199547; PubMed 10712197.